The following is an entry in ClinVar:

NM_153676.4(USH1C):c.81T>A (p.Tyr27Ter)

Gene: USH1C (USH1 protein network component harmonin; minus strand). Cytogenetic location: 11p15.1.
Variant type: single nucleotide variant.
Coding change: c.81T>A on transcript NM_153676.4 (MANE Select); coding-DNA position 81, T replaced by A.
Protein change: p.Tyr27Ter; replaces tyrosine 27 with a stop codon.
Molecular consequence: nonsense. On other transcripts: non-coding transcript variant (1).
Genome position (GRCh38, 1-based): chr11:17,533,278, A>T on the plus strand (T>A on the coding strand, the complement: USH1C is on the minus strand). VCF-style: chr11-17533278-A-T. GRCh37 (hg19) VCF-style: chr11-17554825-A-T.
Other names: c.81T>A, p.Tyr27Ter (NM_005709.4, NM_001297764.2); short protein forms Y27*.
Identifiers: ClinVar variation 1724186 (VCV001724186.2), dbSNP rs2497241282, ClinGen allele CA379800535.

ClinVar aggregate classification (germline): Likely pathogenic (1 of 4 stars; one submission).

Conditions:
Usher syndrome type 1C. Also called: USHER SYNDROME, TYPE I, ACADIAN VARIETY. Identifiers: Orphanet 231169, Orphanet 886, MedGen C1848604, MONDO:0010171, OMIM 276904.

Submission:

Myriad Genetics, Inc.
Classification: Likely pathogenic for Usher syndrome type 1C. Last evaluated: 2021-11-07. Review status: criteria provided, single submitter. Criteria: Myriad Women's Health Autosomal Recessive and X-Linked Classification Criteria (2021). Collection method: clinical testing. Allele origin: unknown.
Comment: NM_005709.3(USH1C):c.81T>A(Y27*) is expected to be pathogenic in the context of USH1C-related disorders. This variant is predicted to lead to an abnormal or absent protein product due to the creation of a premature termination codon in USH1C, a gene where loss-of-function variants are known to be pathogenic. Please note: this variant was assessed in the context of healthy population screening.